The following is an entry in ClinVar:

NM_001942.4(DSG1):c.1502C>T (p.Thr501Ile)

Gene: DSG1 (desmoglein 1; plus strand). Cytogenetic location: 18q12.1.
Variant type: single nucleotide variant.
Coding change: c.1502C>T on transcript NM_001942.4 (MANE Select); coding-DNA position 1502, C replaced by T.
Protein change: p.Thr501Ile; replaces threonine 501 with isoleucine.
Molecular consequence: missense variant.
Genome position (GRCh38, 1-based): chr18:31,339,840, C>T. VCF-style: chr18-31339840-C-T. GRCh37 (hg19) VCF-style: chr18-28919803-C-T.
Other names: short protein forms T501I.
Identifiers: ClinVar variation 3014137 (VCV003014137.3), dbSNP rs1381097794, ClinGen allele CA402137566.

ClinVar aggregate classification (germline): Uncertain significance (1 of 4 stars; one submission).

Submission:

Labcorp Genetics (formerly Invitae), Labcorp
Classification: Uncertain significance. Last evaluated: 2022-12-20. Review status: criteria provided, single submitter. Criteria: Invitae Variant Classification Sherloc (09022015). Collection method: clinical testing. Allele origin: germline.
Comment: In summary, the available evidence is currently insufficient to determine the role of this variant in disease. Therefore, it has been classified as a Variant of Uncertain Significance. Advanced modeling of protein sequence and biophysical properties (such as structural, functional, and spatial information, amino acid conservation, physicochemical variation, residue mobility, and thermodynamic stability) performed at Invitae indicates that this missense variant is not expected to disrupt DSG1 protein function. This variant has not been reported in the literature in individuals affected with DSG1-related conditions. This variant is present in population databases (no rsID available, gnomAD 0.0009%). This sequence change replaces threonine, which is neutral and polar, with isoleucine, which is neutral and non-polar, at codon 501 of the DSG1 protein (p.Thr501Ile).